The following is an entry in ClinVar:

NM_001378454.1(ALMS1):c.9004A>C (p.Lys3002Gln)

Gene: ALMS1 (ALMS1 centrosome and basal body associated protein; plus strand). Cytogenetic location: 2p13.1.
Variant type: single nucleotide variant.
Coding change: c.9004A>C on transcript NM_001378454.1 (MANE Select); coding-DNA position 9004, A replaced by C.
Protein change: p.Lys3002Gln; replaces lysine 3002 with glutamine.
Molecular consequence: missense variant.
Genome position (GRCh38, 1-based): chr2:73,490,963, A>C. VCF-style: chr2-73490963-A-C. GRCh37 (hg19) VCF-style: chr2-73718090-A-C.
Other names: c.9007A>C, p.Lys3003Gln (NM_015120.4); short protein forms K3002Q, K3003Q.
Identifiers: ClinVar variation 1723642 (VCV001723642.7), dbSNP rs373492071, ClinGen allele CA1714581.

ClinVar aggregate classification (germline): Uncertain significance. Review status: criteria provided, multiple submitters, no conflicts (2 of 4 stars). 3 submissions from 3 submitters: Uncertain significance (3). Last evaluated 2025-08-11.

Conditions:
Cardiovascular phenotype. Identifiers: MedGen CN230736.
Alstrom syndrome (ALMS). Identifiers: Orphanet 64, MedGen C0268425, MONDO:0008763, OMIM 203800.

Allele frequency attached by ClinVar (database versions not stated): gnomAD exomes below 0.00001; gnomAD 0.00001; ExAC 0.00002; TOPMed 0.00002; ESP Exome Variant Server 0.00008; 1000 Genomes Project 0.00020; 1000 Genomes Project 30x 0.00031.
gnomAD v4.1: 6 of 1,614,196 alleles (0.00037%); highest among the groups gnomAD compares: African/African-American, 0.0053%; no homozygotes.

Submissions (3):

Labcorp Genetics (formerly Invitae), Labcorp
Classification: Uncertain significance for Alstrom syndrome. Last evaluated: 2025-08-11. Review status: criteria provided, single submitter. Criteria: Invitae Variant Classification Sherloc (09022015). Collection method: clinical testing. Allele origin: germline.
Comment: This sequence change replaces lysine, which is basic and polar, with glutamine, which is neutral and polar, at codon 3003 of the ALMS1 protein (p.Lys3003Gln). This variant is present in population databases (rs373492071, gnomAD 0.007%). This variant has not been reported in the literature in individuals affected with ALMS1-related conditions. ClinVar contains an entry for this variant (Variation ID: 1723642). Experimental studies and prediction algorithms are not available or were not evaluated, and the functional significance of this variant is currently unknown. In summary, the available evidence is currently insufficient to determine the role of this variant in disease. Therefore, it has been classified as a Variant of Uncertain Significance.

GeneDx
Classification: Uncertain significance. Last evaluated: 2022-10-26. Review status: criteria provided, single submitter. Criteria: GeneDx Variant Classification Process June 2021. Collection method: clinical testing. Allele origin: germline. Affected: yes.
Comment: Not observed at significant frequency in large population cohorts (gnomAD); In silico analysis supports that this missense variant does not alter protein structure/function; Has not been previously published as pathogenic or benign to our knowledge

Ambry Genetics
Classification: Uncertain significance for Cardiovascular phenotype. Last evaluated: 2019-12-19. Review status: criteria provided, single submitter. Criteria: Ambry Variant Classification Scheme 2023. Collection method: clinical testing. Allele origin: germline.
Comment: The p.K3003Q variant (also known as c.9007A>C), located in coding exon 10 of the ALMS1 gene, results from an A to C substitution at nucleotide position 9007. The lysine at codon 3003 is replaced by glutamine, an amino acid with similar properties. This amino acid position is not well conserved in available vertebrate species, and gutamine is the reference amino acid in other vertebrate species. In addition, this alteration is predicted to be tolerated by in silico analysis. Since supporting evidence is limited at this time, the clinical significance of this alteration remains unclear.